The following is an entry in ClinVar:

NM_032119.4(ADGRV1):c.18014A>G (p.His6005Arg)

Gene: ADGRV1 (adhesion G protein-coupled receptor V1; plus strand). Cytogenetic location: 5q14.3.
Variant type: single nucleotide variant.
Coding change: c.18014A>G on transcript NM_032119.4 (MANE Select); coding-DNA position 18014, A replaced by G.
Protein change: p.His6005Arg; replaces histidine 6005 with arginine.
Molecular consequence: missense variant. On other transcripts: non-coding transcript variant (1).
Genome position (GRCh38, 1-based): chr5:90,985,384, A>G. VCF-style: chr5-90985384-A-G. GRCh37 (hg19) VCF-style: chr5-90281201-A-G.
Other names: c.18014A>G (NM_032119.3); short protein forms H6005R.
Identifiers: ClinVar variation 1379573 (VCV001379573.7), dbSNP rs754863582, ClinGen allele CA3342540.

ClinVar aggregate classification (germline): Conflicting classifications of pathogenicity. Review status: criteria provided, conflicting classifications (1 of 4 stars). 2 submissions from 2 submitters: Uncertain significance (1); Likely benign (1). Last evaluated 2026-01-11.

Allele frequency attached by ClinVar (database versions not stated): TOPMed 0.00004; ExAC 0.00002; gnomAD 0.00001; gnomAD exomes 0.00001 and 0.00002.
gnomAD v4.1: 8 of 1,613,538 alleles (0.0005%); highest among the groups gnomAD compares: Non-Finnish European, 0.00068%; no homozygotes.

Submissions (2):

Labcorp Genetics (formerly Invitae), Labcorp
Classification: Likely benign. Last evaluated: 2026-01-11. Review status: criteria provided, single submitter. Criteria: Invitae Variant Classification Sherloc (09022015). Collection method: clinical testing. Allele origin: germline.

GeneDx
Classification: Uncertain significance. Last evaluated: 2024-05-21. Review status: criteria provided, single submitter. Criteria: GeneDx Variant Classification Process June 2021. Collection method: clinical testing. Allele origin: germline. Affected: yes.
Comment: In silico analysis supports that this missense variant has a deleterious effect on protein structure/function; Has not been previously published as pathogenic or benign to our knowledge